The following is an entry in ClinVar:

NM_005430.4(WNT1):c.349G>A (p.Val117Ile)

Gene: WNT1 (Wnt family member 1; plus strand). Cytogenetic location: 12q13.12.
Variant type: single nucleotide variant.
Coding change: c.349G>A on transcript NM_005430.4 (MANE Select); coding-DNA position 349, G replaced by A.
Protein change: p.Val117Ile; replaces valine 117 with isoleucine.
Molecular consequence: missense variant.
Genome position (GRCh38, 1-based): chr12:48,979,712, G>A. VCF-style: chr12-48979712-G-A. GRCh37 (hg19) VCF-style: chr12-49373495-G-A.
Other names: short protein forms V117I.
Identifiers: ClinVar variation 1908273 (VCV001908273.5), dbSNP rs776829186, ClinGen allele CA6544364.
Genomic context (GRCh38, chr12:48,979,712, plus strand): 5'-TTCCGGAATCGCCGCTGGAACTGTCCCACTGCTCCAGGGCCCCACCTCTTCGGCAAGATC[G>A]TCAACCGAGGTGGGTGCCCAGGAAGGCGACGCTTCCGGGAGCAGGGGAAACGCGGGGTCA-3'
Protein context (NP_005421.1, residues 107-127): APGPHLFGKI[Val117Ile]NRGCRETAFI

ClinVar aggregate classification (germline): Uncertain significance (1 of 4 stars; one submission).

Allele frequency attached by ClinVar (database versions not stated): gnomAD 0.00001; TOPMed 0.00001; ExAC 0.00004.
gnomAD v4.1: 14 of 1,589,386 alleles (0.00088%); highest among the groups gnomAD compares: South Asian, 0.011%; no homozygotes.

Submission:

Labcorp Genetics (formerly Invitae), Labcorp
Classification: Uncertain significance. Last evaluated: 2022-05-07. Review status: criteria provided, single submitter. Criteria: Invitae Variant Classification Sherloc (09022015). Collection method: clinical testing. Allele origin: germline.
Comment: This variant is present in population databases (rs776829186, gnomAD 0.02%). In summary, the available evidence is currently insufficient to determine the role of this variant in disease. Therefore, it has been classified as a Variant of Uncertain Significance. Algorithms developed to predict the effect of missense changes on protein structure and function (SIFT, PolyPhen-2, Align-GVGD) all suggest that this variant is likely to be tolerated. This variant has not been reported in the literature in individuals affected with WNT1-related conditions. This sequence change replaces valine, which is neutral and non-polar, with isoleucine, which is neutral and non-polar, at codon 117 of the WNT1 protein (p.Val117Ile).